The following is an entry in ClinVar:

NM_001164508.2(NEB):c.10041A>C (p.Leu3347Phe)

Gene: NEB (nebulin; minus strand). Cytogenetic location: 2q23.3.
Variant type: single nucleotide variant.
Coding change: c.10041A>C on transcript NM_001164508.2 (MANE Select); coding-DNA position 10041, A replaced by C.
Protein change: p.Leu3347Phe; replaces leucine 3347 with phenylalanine.
Molecular consequence: missense variant.
Genome position (GRCh38, 1-based): chr2:151,627,625, T>G on the plus strand (A>C on the coding strand, the complement: NEB is on the minus strand). VCF-style: chr2-151627625-T-G. GRCh37 (hg19) VCF-style: chr2-152484139-T-G.
Other names: c.10041A>C, p.Leu3347Phe (NM_001164507.2, NM_001271208.2); c.9312A>C, p.Leu3104Phe (NM_004543.5); short protein forms L3104F, L3347F.
Identifiers: ClinVar variation 2434116 (VCV002434116.27), dbSNP rs2098550915, ClinGen allele CA348794918.
Genomic context (GRCh38, chr2:151,627,625, plus strand): 5'-ATTCTGGTCGGGCAGGCACGTCCACTCGTGCAGGTAGTTCTTGTAGTCCACATCGCTGAC[T>G]AAGGTCTGGCACTTCTTGGCTAACACCACTCCCAGCATGTCCACTGGGCTGCTGAACTTG-3'
Protein context (NP_001157980.2, residues 3337-3357): GVVLAKKCQT[Leu3347Phe]VSDVDYKNYL

ClinVar aggregate classification (germline): Uncertain significance. Review status: criteria provided, multiple submitters, no conflicts (2 of 4 stars). 2 submissions from 2 submitters: Uncertain significance (2). Last evaluated 2023-07-01.

Allele frequency attached by ClinVar (database versions not stated): TOPMed 0.00001; gnomAD exomes below 0.00001; gnomAD 0.00001.

Submissions (2):

CeGaT Center for Human Genetics Tuebingen
Classification: Uncertain significance. Last evaluated: 2023-07-01. Review status: criteria provided, single submitter. Criteria: CeGaT Center For Human Genetics Tuebingen Variant Classification Criteria Version 2. Collection method: clinical testing. Allele origin: germline. Affected: yes. Observed: 1 variant allele.
Comment: NEB: PM2, BP4

Revvity Omics, Revvity
Classification: Uncertain significance. Last evaluated: 2020-10-28. Review status: criteria provided, single submitter. Criteria: ACMG Guidelines, 2015. Collection method: clinical testing. Allele origin: germline.